The following is an entry in ClinVar:

NM_002474.3(MYH11):c.4578+3A>G

Genes: MYH11 (myosin heavy chain 11; minus strand), NDE1 (nudE neurodevelopment protein 1; plus strand). Cytogenetic location: 16p13.11.
Variant type: single nucleotide variant.
Coding change: c.4578+3A>G on transcript NM_002474.3 (MANE Select); 3 bases into the intron after coding-DNA position 4578, A replaced by G.
Molecular consequence: intron variant.
Genome position (GRCh38, 1-based): chr16:15,721,419, T>C on the plus strand (A>G on the coding strand, the complement: MYH11 is on the minus strand). VCF-style: chr16-15721419-T-C. GRCh37 (hg19) VCF-style: chr16-15815276-T-C.
Other names: p.?; c.948-2772T>C (NM_001143979.2, NM_017668.3); c.4578+3A>G (NM_022844.3); c.4599+3A>G (NM_001040114.2, NM_001040113.2).
Identifiers: ClinVar variation 138346 (VCV000138346.77), dbSNP rs143288748, ClinGen allele CA277895.

ClinVar aggregate classification (germline): Conflicting classifications of pathogenicity. Review status: criteria provided, conflicting classifications (1 of 4 stars). 15 submissions from 15 submitters: Uncertain significance (2); Benign (3); Likely benign (9). 1 of the submissions does not count toward it. Last evaluated 2026-08-01.

Conditions:
Familial thoracic aortic aneurysm and aortic dissection (TAAD). Also called: Thoracic aortic aneurysms and dissections. Identifiers: Orphanet 91387, MedGen C4707243, MONDO:0019625.
Aortic aneurysm, familial thoracic 4 (AAT4). Also called: AORTIC ANEURYSM/AORTIC DISSECTION AND PATENT DUCTUS ARTERIOSUS. Identifiers: MedGen C1851504, MONDO:0007568, OMIM 132900.

Allele frequency attached by ClinVar (database versions not stated): TOPMed 0.00124; gnomAD exomes 0.00134 and 0.00222; gnomAD 0.00138 and 0.00139; ExAC 0.00145; ESP Exome Variant Server 0.00154; 1000 Genomes Project 0.00180; 1000 Genomes Project 30x 0.00234.
gnomAD v4.1: 3,392 of 1,614,072 alleles (0.21%); highest among the groups gnomAD compares: Non-Finnish European, 0.26%; 7 homozygotes.

Submissions (15):

CeGaT Center for Human Genetics Tuebingen
Classification: Likely benign. Last evaluated: 2026-08-01. Review status: criteria provided, single submitter. Criteria: CeGaT Center For Human Genetics Tuebingen Variant Classification Criteria Version 2. Collection method: clinical testing. Allele origin: germline. Affected: yes. Observed: 18 variant alleles.
Comment: MYH11: BP4

Labcorp Genetics (formerly Invitae), Labcorp
Classification: Likely benign for Aortic aneurysm, familial thoracic 4. Last evaluated: 2026-01-31. Review status: criteria provided, single submitter. Criteria: Invitae Variant Classification Sherloc (09022015). Collection method: clinical testing. Allele origin: germline.

Mayo Clinic Laboratories, Mayo Clinic
Classification: Benign. Last evaluated: 2024-12-30. Review status: criteria provided, single submitter. Criteria: ACMG Guidelines, 2015. Collection method: clinical testing. Allele origin: germline. Observed: 6 variant alleles.
Comment: BS1, BS2, BP4, BP7

Blueprint Genetics
Classification: Likely benign. Last evaluated: 2024-11-21. Review status: criteria provided, single submitter. Criteria: ACMG Guidelines, 2015. Collection method: clinical testing. Allele origin: germline.

ARUP Laboratories, Molecular Genetics and Genomics, ARUP Laboratories
Classification: Likely benign. Last evaluated: 2024-03-18. Review status: criteria provided, single submitter. Criteria: ARUP Molecular Germline Variant Investigation Process 2024. Collection method: clinical testing. Allele origin: germline.

CHEO Genetics Diagnostic Laboratory, Children's Hospital of Eastern Ontario
Classification: Benign for Familial thoracic aortic aneurysm and aortic dissection. Last evaluated: 2019-07-03. Review status: criteria provided, single submitter. Criteria: ACMG Guidelines, 2015. Collection method: clinical testing. Allele origin: germline. Study: Canadian Open Genetics Repository.

Ambry Genetics
Classification: Likely benign for Familial thoracic aortic aneurysm and aortic dissection. Last evaluated: 2019-01-09. Review status: criteria provided, single submitter. Criteria: Ambry Variant Classification Scheme 2023. Collection method: clinical testing. Allele origin: germline.

Color Diagnostics, LLC DBA Color Health
Classification: Likely benign for Familial thoracic aortic aneurysm and aortic dissection. Last evaluated: 2018-03-09. Review status: criteria provided, single submitter. Criteria: ACMG Guidelines, 2015. Collection method: clinical testing. Allele origin: germline.

Illumina Laboratory Services, Illumina
Classification: Uncertain significance for Aortic aneurysm, familial thoracic 4. Last evaluated: 2018-01-13. Review status: criteria provided, single submitter. Criteria: ICSL Variant Classification Criteria 13 December 2019. Collection method: clinical testing. Allele origin: germline.

Genome Diagnostics Laboratory, University Medical Center Utrecht
Classification: Likely benign for Aortic aneurysm, familial thoracic 4. Last evaluated: 2016-03-04. Review status: criteria provided, single submitter. Criteria: ACGS Guidelines, 2013. Collection method: clinical testing. Allele origin: germline. Affected: yes. Study: VKGL Data-share Consensus.

Clinical Genetics DNA and cytogenetics Diagnostics Lab, Erasmus MC, Erasmus Medical Center
Classification: Likely benign for Aortic aneurysm, familial thoracic 4. Last evaluated: 2016-01-19. Review status: criteria provided, single submitter. Criteria: ACGS Guidelines, 2013. Collection method: clinical testing. Allele origin: germline. Affected: yes. Study: VKGL Data-share Consensus.

Genomic Diagnostic Laboratory, Division of Genomic Diagnostics, Children's Hospital of Philadelphia
Classification: Uncertain significance for Aortic aneurysm, familial thoracic 4. Last evaluated: 2015-02-13. Review status: criteria provided, single submitter. Criteria: DGD Variant Analysis Guidelines. Collection method: clinical testing. Allele origin: unknown.

GeneDx
Classification: Benign. Last evaluated: 2013-01-30. Review status: criteria provided, single submitter. Criteria: GeneDx Variant Classification (06012015). Collection method: clinical testing. Allele origin: germline. Affected: yes.
Comment: This variant is considered likely benign or benign based on one or more of the following criteria: it is a conservative change, it occurs at a poorly conserved position in the protein, it is predicted to be benign by multiple in silico algorithms, and/or has population frequency not consistent with disease.

PreventionGenetics, part of Exact Sciences
Classification: Likely benign. Review status: criteria provided, single submitter. Criteria: ACMG Guidelines, 2015. Collection method: clinical testing. Allele origin: germline.

Genome Diagnostics Laboratory, Amsterdam University Medical Center
Classification: Likely benign for Aortic aneurysm, familial thoracic 4. Last evaluated: 2014-12-14. Review status: no assertion criteria provided. Criteria: ACGS Guidelines, 2013. Collection method: clinical testing. Allele origin: germline. Affected: yes. Study: VKGL Data-share Consensus. Not counted in ClinVar's aggregate classification.